The following is an entry in ClinVar:

ClinVar aggregate classification (germline): Uncertain significance (1 of 4 stars; one submission).

Conditions:
Cardiovascular phenotype. Identifiers: MedGen CN230736.

Submission:

Ambry Genetics
Classification: Uncertain significance for Cardiovascular phenotype. Last evaluated: 2024-01-03. Review status: criteria provided, single submitter. Criteria: Ambry Variant Classification Scheme 2023. Collection method: clinical testing. Allele origin: germline.
Comment: The p.L339P variant (also known as c.1016T>C), located in coding exon 4 of the ALPK3 gene, results from a T to C substitution at nucleotide position 1016. The leucine at codon 339 is replaced by proline, an amino acid with similar properties. This amino acid position is conserved. In addition, this alteration is predicted to be deleterious by in silico analysis. Since supporting evidence is limited at this time, the clinical significance of this alteration remains unclear.

NM_020778.5(ALPK3):c.410T>C (p.Leu137Pro)

Gene: ALPK3 (alpha kinase 3; plus strand). Cytogenetic location: 15q25.3.
Variant type: single nucleotide variant.
Coding change: c.410T>C on transcript NM_020778.5 (MANE Select); coding-DNA position 410, T replaced by C.
Protein change: p.Leu137Pro; replaces leucine 137 with proline.
Molecular consequence: missense variant.
Genome position (GRCh38, 1-based): chr15:84,839,085, T>C. VCF-style: chr15-84839085-T-C. GRCh37 (hg19) VCF-style: chr15-85382316-T-C.
Other names: short protein forms L137P.
Identifiers: ClinVar variation 3227433 (VCV003227433.1), dbSNP rs750547262, ClinGen allele CA393372007.